The following is an entry in ClinVar:

NM_000478.6(ALPL):c.1034C>T (p.Ala345Val)

Gene: ALPL (alkaline phosphatase, biomineralization associated; plus strand). Cytogenetic location: 1p36.12.
Variant type: single nucleotide variant.
Coding change: c.1034C>T on transcript NM_000478.6 (MANE Select); coding-DNA position 1034, C replaced by T.
Protein change: p.Ala345Val; replaces alanine 345 with valine.
Molecular consequence: missense variant.
Genome position (GRCh38, 1-based): chr1:21,575,769, C>T. VCF-style: chr1-21575769-C-T. GRCh37 (hg19) VCF-style: chr1-21902262-C-T.
Other names: c.869C>T, p.Ala290Val (NM_001127501.4); c.803C>T, p.Ala268Val (NM_001177520.3); c.1034C>T, p.Ala345Val (NM_001369803.2, NM_001369804.2, NM_001369805.2); short protein forms A290V, A345V, A268V.
Identifiers: ClinVar variation 857510 (VCV000857510.18), dbSNP rs1644719715, ClinGen allele CA338881051.

ClinVar aggregate classification (germline): Conflicting classifications of pathogenicity. Review status: criteria provided, conflicting classifications (1 of 4 stars). 8 submissions from 8 submitters: Pathogenic (3); Likely pathogenic (4); Uncertain significance (1). Last evaluated 2026-09-01.

Conditions:
Childhood hypophosphatasia. Identifiers: Orphanet 247667, Orphanet 436, MedGen C0220743, MONDO:1010168, OMIM 241510, MONDO:0009428.
Infantile hypophosphatasia. Identifiers: Orphanet 247651, Orphanet 436, MedGen C0268412, MONDO:1010169, OMIM 241500, MONDO:0009427.
Adult hypophosphatasia. Identifiers: Orphanet 247676, Orphanet 436, MedGen C0268413, MONDO:1010154, OMIM 146300, MONDO:0007798.
Hypophosphatasia. Also called: Phosphoethanol-aminuria. Identifiers: Orphanet 436, MedGen C0020630, MeSH D007014, MONDO:0018570.
ALPL-related disorder. Also called: ALPL-related condition; ALPL-related disorders.

Submissions (8):

Genomenon, Inc
Classification: Pathogenic for Hypophosphatasia. Last evaluated: 2026-09-01. Review status: criteria provided, single submitter. Criteria: Genomenon Sequence Variant Interpretation Standards - Updated. Collection method: curation. Allele origin: germline. Affected: yes.
Comment: ALPL p.Ala345Val (c.1034C>T) is a missense variant that changes the amino acid at codon 345 from Alanine to Valine. This variant has been observed in at least one proband affected with an ALPL-related disorder (PMID:35878747). The variant was found to segregate with disease in at least one affected family (PMID:35878747). At least one functional study has demonstrated a substantial alteration in protein function relative to the wild-type (PMID:40386289). It is absent or not present at a significant frequency in gnomAD. In silico models predict that this variant is possibly or probably damaging. In conclusion, we classify ALPL p.Ala345Val (c.1034C>T) as a pathogenic variant.

Labcorp Genetics (formerly Invitae), Labcorp
Classification: Pathogenic. Last evaluated: 2025-12-16. Review status: criteria provided, single submitter. Criteria: Invitae Variant Classification Sherloc (09022015). Collection method: clinical testing. Allele origin: germline.
Comment: This sequence change replaces alanine, which is neutral and non-polar, with valine, which is neutral and non-polar, at codon 345 of the ALPL protein (p.Ala345Val). This variant is not present in population databases (gnomAD no frequency). This missense change has been observed in individual(s) with autosomal dominant hypophosphatasia (PMID: 33069919, 33814268; internal data). ClinVar contains an entry for this variant (Variation ID: 857510). Invitae Evidence Modeling of protein sequence and biophysical properties (such as structural, functional, and spatial information, amino acid conservation, physicochemical variation, residue mobility, and thermodynamic stability) indicates that this missense variant is expected to disrupt ALPL protein function with a positive predictive value of 95%. For these reasons, this variant has been classified as Pathogenic.

PreventionGenetics, part of Exact Sciences
Classification: Likely pathogenic for ALPL-related condition. Last evaluated: 2025-09-05. Review status: criteria provided, single submitter. Criteria: ACMG Guidelines, 2015. Collection method: clinical testing. Allele origin: germline.
Comment: The ALPL c.1034C>T variant is predicted to result in the amino acid substitution p.Ala345Val. This variant has been reported with uncertain significance in individuals with hypophosphatasia (Durrough et al. 2021. PubMed ID: 33069919; Supplemental Table 2, Rush et al. 2021. PubMed ID: 34633109; Supplementary Table S1, Kishnani et al. 2024. PubMed ID: 38884565) and as pathogenic in a cohort study of individuals with skeletal dysplasia and other skeletal disorders (Table S5, MacCarrick et al. 2024. PubMed ID: 38702915). At PreventionGenetics. we have observed this variant in multiple unrelated individuals undergoing testing for hypophosphatasia via the ALPL gene. To our knowledge, this variant has not been reported in a large population database (gnomAD), indicating this variant is rare, and has conflicting interpretations in ClinVar, ranging from pathogenic to uncertain (Variation ID: 857510). In summary, this variant is interpreted as likely pathogenic.

Women's Health and Genetics/Laboratory Corporation of America, LabCorp
Classification: Pathogenic for Hypophosphatasia. Last evaluated: 2025-05-27. Review status: criteria provided, single submitter. Criteria: LabCorp Variant Classification Summary - May 2015. Collection method: clinical testing. Allele origin: germline.
Comment: Variant summary: ALPL c.1034C>T (p.Ala345Val) results in a non-conservative amino acid change in the encoded protein sequence. Algorithms developed to predict the effect of missense changes on protein structure and function all suggest that this variant is likely to be disruptive. The variant was absent in 251418 control chromosomes. c.1034C>T has been observed as heterozygous genotype in individuals affected with Autosomal Dominant Hypophosphatasia (Durrough_2021, Kishnani_2021, Rush_2021, LCG internal data). These data indicate that the variant may be associated with disease. At least one publication reports experimental evidence evaluating an impact on protein function. The most pronounced variant effect results in <10% of normal activity (Kishnani_2021). The following publications have been ascertained in the context of this evaluation (PMID: 33069919, 33814268, 34633109). ClinVar contains an entry for this variant (Variation ID: 857510). Based on the evidence outlined above, the variant was classified as pathogenic.

GeneDx
Classification: Uncertain significance. Last evaluated: 2024-11-11. Review status: criteria provided, single submitter. Criteria: GeneDx Variant Classification Process June 2021. Collection method: clinical testing. Allele origin: germline. Affected: yes.
Comment: Not observed in large population cohorts (gnomAD); In silico analysis supports that this missense variant has a deleterious effect on protein structure/function; This variant is associated with the following publications: (PMID: 33069919, 34633109, 35878747, 38905292)

Fulgent Genetics
Classification: Likely pathogenic for Adult hypophosphatasia; Infantile hypophosphatasia; Childhood hypophosphatasia. Last evaluated: 2024-03-26. Review status: criteria provided, single submitter. Criteria: ACMG Guidelines, 2015. Collection method: clinical testing. Allele origin: germline.

JKU Lab, Dept of Paediatrics, Johannes Kepler University
Classification: Likely pathogenic for Hypophosphatasia. Last evaluated: 2023-04-25. Review status: criteria provided, single submitter. Criteria: ACMG Guidelines, 2015. Collection method: clinical testing. Allele origin: germline. Affected: yes. Observed: 1 heterozygote.
Comment: Absent in GnomAD. Functional testing at the JKU lab showed reduced ALP residual activity. The functional test results and ACMG criteria applied can be looked up in the ALPL gene variant database.

Blueprint Genetics
Classification: Likely pathogenic for ALPL-related disorders. Last evaluated: 2021-02-02. Review status: criteria provided, single submitter. Criteria: ACMG Guidelines, 2015. Collection method: clinical testing. Allele origin: germline. Affected: yes. Observed: 1 variant allele.

Literature cited by the submitters: PubMed 35878747 (cited by Genomenon, Inc); PubMed 40386289 (cited by Genomenon, Inc); PubMed 33069919 (cited by Labcorp Genetics (formerly Invitae), Labcorp and Women's Health and Genetics/Laboratory Corporation of America, LabCorp); PubMed 33814268 (cited by Labcorp Genetics (formerly Invitae), Labcorp and Women's Health and Genetics/Laboratory Corporation of America, LabCorp); PubMed 34633109 (cited by Women's Health and Genetics/Laboratory Corporation of America, LabCorp).